The following is an entry in ClinVar:

ClinVar aggregate classification (germline): Uncertain significance. Review status: criteria provided, single submitter (1 of 4 stars). 2 submissions from 2 submitters: Uncertain significance (1). 1 of the submissions does not count toward it. Last evaluated 2017-04-28.

Conditions:
Ellis-van Creveld syndrome (EVC). Also called: EVC-Related Ellis-van Creveld Syndrome; EVC2-Related Ellis-van Creveld Syndrome; MESOECTODERMAL DYSPLASIA; Chondroectodermal dysplasia. Identifiers: Orphanet 289, MedGen C0013903, MONDO:0009162, OMIM 225500.
EVC2-related disorder. Also called: EVC2-related condition.

Allele frequency attached by ClinVar (database versions not stated): TOPMed 0.00002.
gnomAD v4.1: 26 of 1,614,070 alleles (0.0016%); highest among the groups gnomAD compares: Non-Finnish European, 0.002%; no homozygotes.

Submissions (2):

Illumina Laboratory Services, Illumina
Classification: Uncertain significance for Ellis-van Creveld syndrome. Last evaluated: 2017-04-28. Review status: criteria provided, single submitter. Criteria: ICSL Variant Classification Criteria 13 December 2019. Collection method: clinical testing. Allele origin: germline.

PreventionGenetics, part of Exact Sciences
Classification: Uncertain significance for EVC2-related condition. Last evaluated: 2024-02-22. Review status: no assertion criteria provided. Collection method: clinical testing. Allele origin: germline. Not counted in ClinVar's aggregate classification.
Comment: The EVC2 c.3229G>A variant is predicted to result in the amino acid substitution p.Ala1077Thr. To our knowledge, this variant has not been reported in the literature. This variant is reported in 0.0023% of alleles in individuals of European (Non-Finnish) descent in gnomAD. At this time, the clinical significance of this variant is uncertain due to the absence of conclusive functional and genetic evidence.

NM_147127.5(EVC2):c.3229G>A (p.Ala1077Thr)

Gene: EVC2 (EvC ciliary complex subunit 2; minus strand). Cytogenetic location: 4p16.2.
Variant type: single nucleotide variant.
Coding change: c.3229G>A on transcript NM_147127.5 (MANE Select); coding-DNA position 3229, G replaced by A.
Protein change: p.Ala1077Thr; replaces alanine 1077 with threonine.
Molecular consequence: missense variant.
Genome position (GRCh38, 1-based): chr4:5,576,283, C>T on the plus strand (G>A on the coding strand, the complement: EVC2 is on the minus strand). VCF-style: chr4-5576283-C-T. GRCh37 (hg19) VCF-style: chr4-5578010-C-T.
Other names: c.2989G>A, p.Ala997Thr (NM_001166136.2); short protein forms A997T, A1077T.
Identifiers: ClinVar variation 903216 (VCV000903216.6), dbSNP rs182888222, ClinGen allele CA2834412.